The following is an entry in ClinVar:

NM_001349253.2(SCN11A):c.4782T>C (p.Ile1594=)

Gene: SCN11A (sodium voltage-gated channel alpha subunit 11; minus strand). Cytogenetic location: 3p22.2.
Variant type: single nucleotide variant.
Coding change: c.4782T>C on transcript NM_001349253.2 (MANE Select); coding-DNA position 4782, T replaced by C.
Protein change: p.Ile1594=; no amino-acid change (isoleucine 1594 retained).
Molecular consequence: synonymous variant.
Genome position (GRCh38, 1-based): chr3:38,847,288, A>G on the plus strand (T>C on the coding strand, the complement: SCN11A is on the minus strand). VCF-style: chr3-38847288-A-G. GRCh37 (hg19) VCF-style: chr3-38888779-A-G.
Other names: c.4782T>C, p.Ile1594= (NM_014139.3); c.4782T>C (NM_014139.2).
Identifiers: ClinVar variation 1078262 (VCV001078262.9), dbSNP rs183828132, ClinGen allele CA2321458.
Genomic context (GRCh38, chr3:38,847,288, plus strand): 5'-ACTTTCTTCAGTGGCTGTATTGAAGTTCTCTAAAATCACAGCAATGTACATGTTGACAAC[A>G]ATGAGAAAGGAGATGATAATGTAACTGACAAAGTAGGATGTGGCTATGCCAGGGAGGTGG-3'
Protein context (NP_001336182.1, residues 1584-1604): FVSYIIISFL[Ile1594=]VVNMYIAVIL

ClinVar aggregate classification (germline): Likely benign. Review status: criteria provided, multiple submitters, no conflicts (2 of 4 stars). 3 submissions from 3 submitters: Likely benign (3). Last evaluated 2026-03-09.

Conditions:
Hereditary sensory and autonomic neuropathy type 7. Also called: Neuropathy, hereditary sensory and autonomic, type VII; HSAN VII. Identifiers: Orphanet 391397, MedGen C3809882, MONDO:0014244, OMIM 615548.
Familial episodic pain syndrome with predominantly lower limb involvement. Also called: Episodic pain syndrome, familial, 3. Identifiers: Orphanet 391384, Orphanet 391392, MedGen C3809899, MONDO:0014247, OMIM 615552.
SCN11A-related disorder. Also called: SCN11A-related condition.

Allele frequency attached by ClinVar (database versions not stated): gnomAD exomes 0.00002 and 0.00003; ExAC 0.00004; gnomAD 0.00010 and 0.00011; TOPMed 0.00010; 1000 Genomes Project 0.00020; 1000 Genomes Project 30x 0.00031; ESP Exome Variant Server 0.00031.
gnomAD v4.1: 38 of 1,614,176 alleles (0.0024%); highest among the groups gnomAD compares: African/African-American, 0.048%; no homozygotes.

Submissions (3):

PreventionGenetics, part of Exact Sciences
Classification: Likely benign for SCN11A-related condition. Last evaluated: 2026-03-09. Review status: criteria provided, single submitter. Criteria: ACMG Guidelines, 2015. Collection method: clinical testing. Allele origin: germline.
Comment: This variant is classified as likely benign based on ACMG/AMP sequence variant interpretation guidelines (Richards et al. 2015 PMID: 25741868, with internal and published modifications).

Labcorp Genetics (formerly Invitae), Labcorp
Classification: Likely benign for Familial episodic pain syndrome with predominantly lower limb involvement; Hereditary sensory and autonomic neuropathy type 7. Last evaluated: 2024-08-28. Review status: criteria provided, single submitter. Criteria: Invitae Variant Classification Sherloc (09022015). Collection method: clinical testing. Allele origin: germline.

Blueprint Genetics
Classification: Likely benign. Last evaluated: 2022-11-30. Review status: criteria provided, single submitter. Criteria: ACMG Guidelines, 2015. Collection method: clinical testing. Allele origin: germline.